The following is an entry in ClinVar:

ClinVar aggregate classification (germline): Pathogenic/Likely pathogenic. Review status: criteria provided, multiple submitters, no conflicts (2 of 4 stars). 2 submissions from 2 submitters: Pathogenic (1); Likely pathogenic (1). Last evaluated 2024-04-04.

Conditions:
Osteogenesis imperfecta type I (OI1). Also called: Lobstein disease; OI, TYPE I; OSTEOGENESIS IMPERFECTA TARDA; OSTEOGENESIS IMPERFECTA WITH BLUE SCLERAE; Osteogenesis imperfecta type 1; Lobstein's Disease. Identifiers: Orphanet 216796, Orphanet 666, MedGen C0023931, MONDO:0008146, OMIM 166200. Disease mechanism: loss of function.

Submissions (2):

Genomic Medicine Center of Excellence, King Faisal Specialist Hospital and Research Centre
Classification: Likely pathogenic for Osteogenesis imperfecta type I. Last evaluated: 2024-04-04. Review status: criteria provided, single submitter. Criteria: ACMG Guidelines, 2015. Collection method: clinical testing. Allele origin: germline.

GeneDx
Classification: Pathogenic. Last evaluated: 2023-10-26. Review status: criteria provided, single submitter. Criteria: GeneDx Variant Classification Process June 2021. Collection method: clinical testing. Allele origin: germline. Affected: yes.
Comment: Occurs in the triple helical domain and replaces a glycine in a canonical Gly-X-Y repeat; missense substitution of a canonical glycine residue is expected to disrupt normal protein folding and function, and this is an established mechanism of disease (PMID: 34007986); Not observed at significant frequency in large population cohorts (gnomAD); In silico analysis supports that this missense variant has a deleterious effect on protein structure/function; This variant is associated with the following publications: (PMID: 17078022, 34007986)

NM_000088.4(COL1A1):c.1760G>C (p.Gly587Ala)

Gene: COL1A1 (collagen type I alpha 1 chain; minus strand). Cytogenetic location: 17q21.33.
Variant type: single nucleotide variant.
Coding change: c.1760G>C on transcript NM_000088.4 (MANE Select); coding-DNA position 1760, G replaced by C.
Protein change: p.Gly587Ala; replaces glycine 587 with alanine.
Molecular consequence: missense variant.
Genome position (GRCh38, 1-based): chr17:50,193,950, C>G on the plus strand (G>C on the coding strand, the complement: COL1A1 is on the minus strand). VCF-style: chr17-50193950-C-G. GRCh37 (hg19) VCF-style: chr17-48271311-C-G.
Other names: short protein forms G587A.
Identifiers: ClinVar variation 3067896 (VCV003067896.2), dbSNP rs72648368, ClinGen allele CA291545001.